The following is an entry in ClinVar:

ClinVar aggregate classification (germline): Uncertain significance. Review status: criteria provided, multiple submitters, no conflicts (2 of 4 stars). 2 submissions from 2 submitters: Uncertain significance (2). Last evaluated 2025-03-13.

Conditions:
Hereditary cancer-predisposing syndrome. Also called: Neoplastic Syndromes, Hereditary; Tumor predisposition; Hereditary neoplastic syndrome; Hereditary Cancer Syndrome. Identifiers: Orphanet 140162, MedGen C0027672, MeSH D009386, MONDO:0015356.
Renal cell carcinoma. Identifiers: Orphanet 217071, MedGen C0007134, MeSH D002292, MONDO:0005086, HP:0005584.

Submissions (2):

Ambry Genetics
Classification: Uncertain significance for Hereditary cancer-predisposing syndrome. Last evaluated: 2025-03-13. Review status: criteria provided, single submitter. Criteria: Ambry Variant Classification Scheme 2023. Collection method: clinical testing. Allele origin: germline.
Comment: The p.A1224S variant (also known as c.3670G>T), located in coding exon 17 of the MET gene, results from a G to T substitution at nucleotide position 3670. The alanine at codon 1224 is replaced by serine, an amino acid with similar properties. This amino acid position is highly conserved in available vertebrate species. In addition, the in silico prediction for this alteration is inconclusive. Based on the available evidence, the clinical significance of this variant remains unclear.

Labcorp Genetics (formerly Invitae), Labcorp
Classification: Uncertain significance for Renal cell carcinoma. Last evaluated: 2023-01-23. Review status: criteria provided, single submitter. Criteria: Invitae Variant Classification Sherloc (09022015). Collection method: clinical testing. Allele origin: germline.
Comment: Advanced modeling of protein sequence and biophysical properties (such as structural, functional, and spatial information, amino acid conservation, physicochemical variation, residue mobility, and thermodynamic stability) performed at Invitae indicates that this missense variant is expected to disrupt MET protein function. This variant has not been reported in the literature in individuals affected with MET-related conditions. This variant is not present in population databases (gnomAD no frequency). This sequence change replaces alanine, which is neutral and non-polar, with serine, which is neutral and polar, at codon 1224 of the MET protein (p.Ala1224Ser). In summary, the available evidence is currently insufficient to determine the role of this variant in disease. Therefore, it has been classified as a Variant of Uncertain Significance.

NM_000245.4(MET):c.3616G>T (p.Ala1206Ser)

Gene: MET (MET proto-oncogene, receptor tyrosine kinase; plus strand). Cytogenetic location: 7q31.2.
Variant type: single nucleotide variant.
Coding change: c.3616G>T on transcript NM_000245.4 (MANE Select); coding-DNA position 3616, G replaced by T.
Protein change: p.Ala1206Ser; replaces alanine 1206 with serine.
Molecular consequence: missense variant.
Genome position (GRCh38, 1-based): chr7:116,782,081, G>T. VCF-style: chr7-116782081-G-T. GRCh37 (hg19) VCF-style: chr7-116422135-G-T.
Other names: c.3670G>T, p.Ala1224Ser (NM_001127500.3); c.2326G>T, p.Ala776Ser (NM_001324402.2); short protein forms A1206S, A1224S, A776S.
Identifiers: ClinVar variation 2453417 (VCV002453417.6), dbSNP rs2117060579, ClinGen allele CA368991218.
Genomic context (GRCh38, chr7:116,782,081, plus strand): 5'-CTTCAAGTAGCCAAAGGCATGAAATATCTTGCAAGCAAAAAGTTTGTCCACAGAGACTTG[G>T]CTGCAAGAAACTGTATGTAAGTATCAGAATCTCTGTGCCACAATCCAAATTAAGTGACAA-3'
Protein context (NP_000236.2, residues 1196-1216): ASKKFVHRDL[Ala1206Ser]ARNCMLDEKF